The following is an entry in ClinVar:

ClinVar aggregate classification (germline): Uncertain significance (1 of 4 stars; one submission).

Conditions:
Cutis laxa, X-linked (OHS). Also called: Occipital horn syndrome; EDS IX. Identifiers: Orphanet 198, MedGen C0268353, MONDO:0010572, OMIM 304150.
Menkes kinky-hair syndrome (MNK). Also called: Copper transport disease; Menkes Disease; Classic Menkes Disease. Identifiers: Orphanet 565, MedGen C0022716, MONDO:0010651, OMIM 309400.
X-linked distal spinal muscular atrophy type 3. Also called: ATP7A-Related Distal Motor Neuropathy; SPINAL MUSCULAR ATROPHY, DISTAL, X-LINKED RECESSIVE; NEURONOPATHY, DISTAL HEREDITARY MOTOR, X-LINKED; NEUROPATHY, DISTAL HEREDITARY MOTOR, X-LINKED. Identifiers: Orphanet 139557, MedGen C1845359, MONDO:0010338, OMIM 300489.

Allele frequency attached by ClinVar (database versions not stated): TOPMed 0.00001; gnomAD 0.00002.
gnomAD v4.1: 7 of 1,209,275 alleles (0.00058%); highest among the groups gnomAD compares: East Asian, 0.012%; no homozygotes.

Submission:

Labcorp Genetics (formerly Invitae), Labcorp
Classification: Uncertain significance for X-linked distal spinal muscular atrophy type 3; Cutis laxa, X-linked; Menkes kinky-hair syndrome. Last evaluated: 2022-03-09. Review status: criteria provided, single submitter. Criteria: Invitae Variant Classification Sherloc (09022015). Collection method: clinical testing. Allele origin: germline.
Comment: This sequence change replaces glutamine, which is neutral and polar, with histidine, which is basic and polar, at codon 704 of the ATP7A protein (p.Gln704His). This variant is not present in population databases (gnomAD no frequency). This variant has not been reported in the literature in individuals affected with ATP7A-related conditions. Advanced modeling of protein sequence and biophysical properties (such as structural, functional, and spatial information, amino acid conservation, physicochemical variation, residue mobility, and thermodynamic stability) performed at Invitae indicates that this missense variant is not expected to disrupt ATP7A protein function. In summary, the available evidence is currently insufficient to determine the role of this variant in disease. Therefore, it has been classified as a Variant of Uncertain Significance.

NM_000052.7(ATP7A):c.2112G>C (p.Gln704His)

Gene: ATP7A (ATPase copper transporting alpha; plus strand). Cytogenetic location: Xq21.1.
Variant type: single nucleotide variant.
Coding change: c.2112G>C on transcript NM_000052.7 (MANE Select); coding-DNA position 2112, G replaced by C.
Protein change: p.Gln704His; replaces glutamine 704 with histidine.
Molecular consequence: missense variant.
Genome position (GRCh38, 1-based): chrX:78,011,614, G>C. VCF-style: chrX-78011614-G-C. GRCh37 (hg19) VCF-style: chrX-77267111-G-C.
Other names: c.2112G>C, p.Gln704His (NM_001282224.2); short protein forms Q704H.
Identifiers: ClinVar variation 2174630 (VCV002174630.1), dbSNP rs1471996737, ClinGen allele CA413598447.